The following is an entry in ClinVar:

NM_001276270.2(MBD4):c.861T>G (p.Thr287=)

Gene: MBD4 (methyl-CpG binding domain 4, DNA glycosylase; minus strand). Cytogenetic location: 3q21.3.
Variant type: single nucleotide variant.
Coding change: c.861T>G on transcript NM_001276270.2 (MANE Select); coding-DNA position 861, T replaced by G.
Protein change: p.Thr287=; no amino-acid change (threonine 287 retained).
Molecular consequence: synonymous variant. On other transcripts: intron variant (1).
Genome position (GRCh38, 1-based): chr3:129,436,783, A>C on the plus strand (T>G on the coding strand, the complement: MBD4 is on the minus strand). VCF-style: chr3-129436783-A-C. GRCh37 (hg19) VCF-style: chr3-129155626-A-C.
Other names: c.861T>G, p.Thr287= (NM_001276271.2, NM_001276272.2, NM_003925.3); c.247+1025T>G (NM_001276273.2).
Identifiers: ClinVar variation 4052256 (VCV004052256.2).

ClinVar aggregate classification (germline): Benign/Likely benign. Review status: criteria provided, multiple submitters, no conflicts (2 of 4 stars). 2 submissions from 2 submitters: Benign (1); Likely benign (1). Last evaluated 2026-06-10.

Conditions:
Tumor predisposition syndrome 2 (TPDS2). Also called: MBD4-ASSOCIATED NEOPLASIA SYNDROME; MBD4-Related Tumor Predisposition Syndrome; MBD4-associated neoplasia syndrome (MANS). Identifiers: Orphanet 661526, MedGen C5774186, MONDO:0859267, OMIM 619975.
Inborn genetic diseases. Identifiers: MedGen C0950123, MeSH D030342.

Submissions (2):

Myriad Genetics, Inc.
Classification: Benign for Tumor predisposition syndrome 2. Last evaluated: 2026-06-10. Review status: criteria provided, single submitter. Criteria: Myriad Autosomal Dominant, Autosomal Recessive and X-Linked Classification Criteria (2023). Collection method: clinical testing. Allele origin: unknown.
Comment: This variant is considered benign. This variant is a silent/synonymous amino acid change and it is not expected to impact splicing.

Ambry Genetics
Classification: Likely benign for Inborn genetic diseases. Last evaluated: 2025-06-13. Review status: criteria provided, single submitter. Criteria: Ambry Variant Classification Scheme 2023. Collection method: clinical testing. Allele origin: germline.